The following is an entry in ClinVar:

ClinVar aggregate classification (germline): Uncertain significance (1 of 4 stars; one submission).

gnomAD v4.1: 1 of 1,613,888 alleles (0.000062%); highest among the groups gnomAD compares: Non-Finnish European, 0.000085%; no homozygotes.

Submission:

GeneDx
Classification: Uncertain significance. Last evaluated: 2025-06-24. Review status: criteria provided, single submitter. Criteria: GeneDx Variant Classification Process June 2021. Collection method: clinical testing. Allele origin: germline. Affected: yes.
Comment: Has not been previously published as pathogenic or benign to our knowledge; Not observed at significant frequency in large population cohorts (gnomAD); In silico analysis suggests that this missense variant does not alter protein structure/function

NM_015836.4(WARS2):c.25G>C (p.Ala9Pro)

Genes: WARS2 (tryptophanyl tRNA synthetase 2, mitochondrial; minus strand), WARS2-AS1 (WARS2 antisense RNA 1; plus strand), LOC129931299 (ATAC-STARR-seq lymphoblastoid active region 1590; plus strand). Cytogenetic location: 1p12.
Variant type: single nucleotide variant.
Coding change: c.25G>C on transcript NM_015836.4 (MANE Select); coding-DNA position 25, G replaced by C.
Protein change: p.Ala9Pro; replaces alanine 9 with proline.
Molecular consequence: missense variant. On other transcripts: non-coding transcript variant (4), 5 prime UTR variant (3).
Genome position (GRCh38, 1-based): chr1:119,140,620, C>G on the plus strand (G>C on the coding strand, the complement: WARS2 is on the minus strand). VCF-style: chr1-119140620-C-G. GRCh37 (hg19) VCF-style: chr1-119683243-C-G.
Other names: c.-130G>C (NM_001378226.1); c.-321G>C (NM_001378227.1); c.25G>C, p.Ala9Pro (NM_001378228.1, NM_001378229.1, NM_001378231.1 and 1 more transcripts); c.-449G>C (NM_001378230.1); short protein forms A9P.
Identifiers: ClinVar variation 4540161 (VCV004540161.1).
Genomic context (GRCh38, chr1:119,140,620, plus strand): 5'-GAGCGGGAGCAGCTGCGGATCCCTTATGAAGTGCCCGGATGAAGCTCCAGCGCTCACGCG[C>G]TTTCCGCATTGAGTGCAGCGCCATCTTGAGAAGGGCGGAGCCGTCTTGTTTGGAATGACG-3'
Protein context (NP_056651.1, residues 1-19): MALHSMRK[Ala9Pro]RERWSFIRAL